The following is an entry in ClinVar:

NM_000038.6(APC):c.7953T>C (p.Val2651=)

Gene: APC (APC regulator of Wnt signaling pathway; plus strand). Cytogenetic location: 5q22.2.
Variant type: single nucleotide variant.
Coding change: c.7953T>C on transcript NM_000038.6 (MANE Select); coding-DNA position 7953, T replaced by C.
Protein change: p.Val2651=; no amino-acid change (valine 2651 retained).
Molecular consequence: synonymous variant.
Genome position (GRCh38, 1-based): chr5:112,843,547, T>C. VCF-style: chr5-112843547-T-C. GRCh37 (hg19) VCF-style: chr5-112179244-T-C.
Other names: c.7953T>C, p.Val2651= (NM_001127510.3, NM_001354895.2); c.7899T>C, p.Val2633= (NM_001127511.3); c.8007T>C, p.Val2669= (NM_001354896.2); c.7983T>C, p.Val2661= (NM_001354897.2); c.7878T>C, p.Val2626= (NM_001354898.2); c.7869T>C, p.Val2623= (NM_001354899.2); c.7830T>C, p.Val2610= (NM_001354900.2); c.7776T>C, p.Val2592= (NM_001354901.2); and 5 more.
Identifiers: ClinVar variation 827355 (VCV000827355.6), dbSNP rs1580688611, ClinGen allele CA446210979.

ClinVar aggregate classification (germline): Benign/Likely benign. Review status: criteria provided, multiple submitters, no conflicts (2 of 4 stars). 3 submissions from 3 submitters: Benign (1); Likely benign (2). Last evaluated 2025-06-30.

Conditions:
Hereditary cancer-predisposing syndrome. Also called: Neoplastic Syndromes, Hereditary; Tumor predisposition; Hereditary neoplastic syndrome; Hereditary Cancer Syndrome. Identifiers: Orphanet 140162, MedGen C0027672, MeSH D009386, MONDO:0015356.
Familial adenomatous polyposis 1 (FAP1). Also called: POLYPOSIS, ADENOMATOUS INTESTINAL; FAMILIAL ADENOMATOUS POLYPOSIS 1, ATTENUATED. Identifiers: MedGen C2713442, MONDO:0021056, OMIM 175100. Disease mechanism: loss of function.

Submissions (3):

Labcorp Genetics (formerly Invitae), Labcorp
Classification: Likely benign for Familial adenomatous polyposis 1. Last evaluated: 2025-06-30. Review status: criteria provided, single submitter. Criteria: Invitae Variant Classification Sherloc (09022015). Collection method: clinical testing. Allele origin: germline.

Myriad Genetics, Inc.
Classification: Benign for Familial adenomatous polyposis 1. Last evaluated: 2024-04-11. Review status: criteria provided, single submitter. Criteria: Myriad Autosomal Dominant, Autosomal Recessive and X-Linked Classification Criteria (2023). Collection method: clinical testing. Allele origin: unknown.
Comment: This variant is considered benign. This variant is a silent/synonymous amino acid change and it is not expected to impact splicing.

Ambry Genetics
Classification: Likely benign for Hereditary cancer-predisposing syndrome. Last evaluated: 2019-03-23. Review status: criteria provided, single submitter. Criteria: Ambry Variant Classification Scheme 2023. Collection method: clinical testing. Allele origin: germline.